The following is an entry in ClinVar:

ClinVar aggregate classification (germline): Uncertain significance (1 of 4 stars; one submission).

Conditions:
Developmental and epileptic encephalopathy, 54. Also called: HNRNPU-Related Neurodevelopmental Disorder; Epileptic encephalopathy, early infantile, 54. Identifiers: MedGen C4479319, MONDO:0033363, OMIM 617391.

Submission:

Labcorp Genetics (formerly Invitae), Labcorp
Classification: Uncertain significance for Developmental and epileptic encephalopathy, 54. Last evaluated: 2018-06-07. Review status: criteria provided, single submitter. Criteria: Invitae Variant Classification Sherloc (09022015). Collection method: clinical testing. Allele origin: germline.
Comment: In summary, the available evidence is currently insufficient to determine the role of this variant in disease. Therefore, it has been classified as a Variant of Uncertain Significance. Algorithms developed to predict the effect of missense changes on protein structure and function are either unavailable or do not agree on the potential impact of this missense change (SIFT: "Deleterious"; PolyPhen-2: "Benign"; Align-GVGD: "Class C0"). This variant has not been reported in the literature in individuals with HNRNPU-related disease. This variant is not present in population databases (ExAC no frequency). This sequence change replaces glutamine with histidine at codon 172 of the HNRNPU protein (p.Gln172His). The glutamine residue is weakly conserved and there is a small physicochemical difference between glutamine and histidine.

NM_031844.3(HNRNPU):c.516G>C (p.Gln172His)

Gene: HNRNPU (heterogeneous nuclear ribonucleoprotein U; minus strand). Cytogenetic location: 1q44.
Variant type: single nucleotide variant.
Coding change: c.516G>C on transcript NM_031844.3 (MANE Select); coding-DNA position 516, G replaced by C.
Protein change: p.Gln172His; replaces glutamine 172 with histidine.
Molecular consequence: missense variant.
Genome position (GRCh38, 1-based): chr1:244,863,792, C>G on the plus strand (G>C on the coding strand, the complement: HNRNPU is on the minus strand). VCF-style: chr1-244863792-C-G. GRCh37 (hg19) VCF-style: chr1-245027094-C-G.
Other names: c.516G>C, p.Gln172His (NM_004501.3); short protein forms Q172H.
Identifiers: ClinVar variation 572571 (VCV000572571.9), dbSNP rs1393651101, ClinGen allele CA345496745.